The following is an entry in ClinVar:

NM_000179.3(MSH6):c.3438+11_3438+14del

Gene: MSH6 (mutS homolog 6; plus strand). Cytogenetic location: 2p16.3.
Variant type: Deletion.
Coding change: c.3438+11_3438+14del on transcript NM_000179.3 (MANE Select); bases 11 to 14 of the intron after coding-DNA position 3438, 4 bases deleted (CTTA; older notation c.3438+11_3438+14delCTTA).
Molecular consequence: intron variant.
Genome position (GRCh38, 1-based): chr2:47,803,696-47,803,699, CTTA deleted. VCF-style (leftmost placement, unchanged base first): chr2-47803695-TCTTA-T. GRCh37 (hg19) VCF-style: chr2-48030834-TCTTA-T.
Other names: c.2532+11_2532+14del (NM_001281493.2, NM_001281494.2); c.3048+11_3048+14del (NM_001281492.2); c.3438+11_3438+14delCTTA (NM_000179.2, NM_000179.3).
Identifiers: ClinVar variation 89384 (VCV000089384.42), dbSNP rs377746844, ClinGen allele CA012838.

ClinVar aggregate classification (germline): Benign/Likely benign. Review status: criteria provided, multiple submitters, no conflicts (2 of 4 stars). 18 submissions from 18 submitters: Benign (7); Likely benign (6). 5 of the submissions do not count toward it. Last evaluated 2026-02-03.

Conditions:
Hereditary nonpolyposis colorectal neoplasms. Identifiers: MedGen C0009405, MeSH D003123.
Breast and/or ovarian cancer. Identifiers: MedGen CN221562.
Hereditary cancer-predisposing syndrome. Also called: Neoplastic Syndromes, Hereditary; Tumor predisposition; Hereditary Cancer Syndrome; Hereditary neoplastic syndrome. Identifiers: Orphanet 140162, MedGen C0027672, MeSH D009386, MONDO:0015356.
Lynch syndrome 5 (LYNCH5). Also called: Hereditary non-polyposis colorectal cancer, type 5; Colorectal cancer, hereditary nonpolyposis, type 5. Identifiers: Orphanet 144, MedGen C1833477, MONDO:0013710, OMIM 614350. Disease mechanism: loss of function.
Carcinoma of colon (CRC). Also called: Colonic carcinoma; Colon carcinoma. Identifiers: MedGen C0699790, MONDO:0002032.

Allele frequency attached by ClinVar (database versions not stated): gnomAD exomes 0.00006 and 0.00022; ESP Exome Variant Server 0.00008; ExAC 0.00022; TOPMed 0.00023; gnomAD 0.00023.

Submissions (18):

Labcorp Genetics (formerly Invitae), Labcorp
Classification: Benign for Hereditary nonpolyposis colorectal neoplasms. Last evaluated: 2026-02-03. Review status: criteria provided, single submitter. Criteria: Invitae Variant Classification Sherloc (09022015). Collection method: clinical testing. Allele origin: germline.

Center for Genomic Medicine, Rigshospitalet, Copenhagen University Hospital
Classification: Likely benign. Last evaluated: 2025-03-04. Review status: criteria provided, single submitter. Criteria: ACMG Guidelines, 2015. Collection method: clinical testing. Allele origin: germline.

Blueprint Genetics
Classification: Likely benign. Last evaluated: 2024-11-06. Review status: criteria provided, single submitter. Criteria: ACMG Guidelines, 2015. Collection method: clinical testing. Allele origin: germline.

CHEO Genetics Diagnostic Laboratory, Children's Hospital of Eastern Ontario
Classification: Likely benign for Breast and/or ovarian cancer. Last evaluated: 2023-01-05. Review status: criteria provided, single submitter. Criteria: ACMG Guidelines, 2015. Collection method: clinical testing. Allele origin: germline.

Genetic Services Laboratory, University of Chicago
Classification: Likely benign. Last evaluated: 2021-08-02. Review status: criteria provided, single submitter. Criteria: ACMG Guidelines, 2015. Collection method: clinical testing. Allele origin: germline. Affected: no.

ARUP Laboratories, Molecular Genetics and Genomics, ARUP Laboratories
Classification: Benign. Last evaluated: 2021-06-11. Review status: criteria provided, single submitter. Criteria: ARUP Molecular Germline Variant Investigation Process 2021. Collection method: clinical testing. Allele origin: germline.

Sema4
Classification: Benign for Hereditary cancer-predisposing syndrome. Last evaluated: 2021-06-10. Review status: criteria provided, single submitter. Criteria: Sema4 Curation Guidelines. Collection method: curation. Allele origin: germline.

Ambry Genetics
Classification: Benign for Hereditary cancer-predisposing syndrome. Last evaluated: 2019-10-09. Review status: criteria provided, single submitter. Criteria: Ambry Variant Classification Scheme 2023. Collection method: clinical testing. Allele origin: germline.

Quest Diagnostics Nichols Institute San Juan Capistrano
Classification: Benign. Last evaluated: 2018-11-15. Review status: criteria provided, single submitter. Criteria: Quest Diagnostics criteria. Collection method: clinical testing. Allele origin: germline.

PreventionGenetics, part of Exact Sciences
Classification: Likely benign. Last evaluated: 2017-05-04. Review status: criteria provided, single submitter. Criteria: ACMG Guidelines, 2015. Collection method: clinical testing. Allele origin: germline.

Women's Health and Genetics/Laboratory Corporation of America, LabCorp
Classification: Benign. Last evaluated: 2017-04-12. Review status: criteria provided, single submitter. Criteria: LabCorp Variant Classification Summary - May 2015. Collection method: clinical testing. Allele origin: germline.
Comment: Variant summary: The MSH6 c.3438+11_3438+14delCTTA variant involves the alteration of 4 intronic nucleotides. One in silico tool predicts a benign outcome for this variant. 5/5 splice prediction tools predict no significant impact on normal splicing. However, these predictions have yet to be confirmed by functional studies. This variant was found in 27/120966 control chromosomes, predominantly observed in the East Asian subpopulation at a frequency of 0.002081 (18/8650). This frequency is about 15 times the estimated maximal expected allele frequency of a pathogenic MSH6 variant (0.0001421), suggesting this is likely a benign polymorphism found primarily in the populations of East Asian origin. Multiple clinical diagnostic laboratories/reputable databases classified this variant as benign/likely benign. Taken together, this variant is classified as benign.

Color Diagnostics, LLC DBA Color Health
Classification: Likely benign for Hereditary cancer-predisposing syndrome. Last evaluated: 2015-04-26. Review status: criteria provided, single submitter. Criteria: ACMG Guidelines, 2015. Collection method: clinical testing. Allele origin: germline.

GeneDx
Classification: Benign for Neoplastic Syndromes, Hereditary. Last evaluated: 2014-05-28. Review status: criteria provided, single submitter. Criteria: GeneDx Variant Classification (06012015). Collection method: clinical testing. Allele origin: germline. Affected: yes.
Comment: The variant is found in BR-OV-HEREDIC panel(s).

Counsyl
Classification: Likely benign for Lynch syndrome 5. Last evaluated: 2016-09-28. Review status: no assertion criteria provided. Collection method: clinical testing. Allele origin: unknown. Not counted in ClinVar's aggregate classification.

Clinical Genetics, Academic Medical Center
Classification: Likely benign. Review status: no assertion criteria provided. Collection method: clinical testing. Allele origin: germline. Affected: yes. Study: VKGL Data-share Consensus. Not counted in ClinVar's aggregate classification.

Department of Pathology and Laboratory Medicine, Sinai Health System
Classification: Uncertain significance for Carcinoma of colon. Review status: no assertion criteria provided. Collection method: clinical testing. Allele origin: unknown. Affected: yes. Study: The Canadian Open Genetics Repository (COGR). Not counted in ClinVar's aggregate classification.
Comment: The MSH6 c.3438+11_3438+14del variant was identified in 1 of 68 proband chromosomes (frequency: 0.015) from individuals or families with Lynch syndrome (Chan 1999). The variant was also identified in the following databases: dbSNP (ID: rs377746844) as â€šÃ„ÃºWith Uncertain significance alleleâ€šÃ„Ã¹, ClinVar (as uncertain significance, reviewed by expert panel), Clinvitae (as benign, likely benign, and uncertain significance), COGR, Insight Colon Cancer Gene Variant Database (as Class 3: uncertain), and Insight Hereditary Tumors Database (as Class 3: uncertain). The variant was not identified in Cosmic, MutDB, UMD-LSDB, Zhejiang Colon Cancer Database, or the Mismatch Repair Genes Variant Database. The variant was identified by our laboratory in 2 individuals with Lynch syndrome. The variant was identified in control databases in 63 of 277008 chromosomes (1 homozygous) at a frequency of 0.0003 (Genome Aggregation Database Feb 27, 2017). It was observed in the following populations: East Asian in 39 of 18864 chromosomes (freq: 0.002), â€šÃ„ÃºOtherâ€šÃ„Ã¹ in 5 of 6460 chromosomes (freq: 0.0008), African in 9 of 24016 chromosomes (freq: 0.0004), European Non-Finnish in 9 of 126542 chromosomes (freq: 0.00007), South Asian in 1 of 30782 chromosomes (freq: 0.00003); it was not observed in the Ashkenazi Jewish, European (Finnish), and Latino populations. The variant occurs outside of the splicing consensus sequence and 1 of 5 in silico or computational prediction software programs (SpliceSiteFinder, MaxEntScan, NNSPLICE, GeneSplicer, HumanSpliceFinder) predict the loss of a cryptic splice acceptor site. In summary, based on the above information the clinical significance of this variant cannot be determined with certainty at this time. This variant is classified as a variant of uncertain significance.

Genome Diagnostics Laboratory, Amsterdam University Medical Center
Classification: Likely benign. Review status: no assertion criteria provided. Collection method: clinical testing. Allele origin: germline. Affected: yes. Study: VKGL Data-share Consensus. Not counted in ClinVar's aggregate classification.

Laboratory of Diagnostic Genome Analysis, Leiden University Medical Center (LUMC)
Classification: Likely benign. Review status: no assertion criteria provided. Collection method: clinical testing. Allele origin: germline. Affected: yes. Study: VKGL Data-share Consensus. Not counted in ClinVar's aggregate classification.

Literature cited by the submitters: PubMed 10413423 (cited by 4 submitters); PubMed 29752822 (cited by Ambry Genetics).